The following is an entry in ClinVar:

ClinVar aggregate classification (germline): Uncertain significance (1 of 4 stars; one submission).

Submission:

CeGaT Center for Human Genetics Tuebingen
Classification: Uncertain significance. Last evaluated: 2026-09-01. Review status: criteria provided, single submitter. Criteria: CeGaT Center For Human Genetics Tuebingen Variant Classification Criteria Version 2. Collection method: clinical testing. Allele origin: germline. Affected: yes. Observed: 1 variant allele.
Comment: EP300: PM2, BP4

NM_001429.4(EP300):c.5899A>G (p.Met1967Val)

Gene: EP300 (EP300 lysine acetyltransferase; plus strand). Cytogenetic location: 22q13.2.
Variant type: single nucleotide variant.
Coding change: c.5899A>G on transcript NM_001429.4 (MANE Select); coding-DNA position 5899, A replaced by G.
Protein change: p.Met1967Val; replaces methionine 1967 with valine.
Molecular consequence: missense variant.
Genome position (GRCh38, 1-based): chr22:41,177,610, A>G. VCF-style: chr22-41177610-A-G. GRCh37 (hg19) VCF-style: chr22-41573614-A-G.
Other names: c.5821A>G, p.Met1941Val (NM_001362843.2); short protein forms M1941V, M1967V.
Identifiers: ClinVar variation 5040681 (VCV005040681.1).